The following is an entry in ClinVar:

ClinVar aggregate classification (germline): Uncertain significance. Review status: criteria provided, multiple submitters, no conflicts (2 of 4 stars). 2 submissions from 2 submitters: Uncertain significance (2). Last evaluated 2024-10-23.

Allele frequency attached by ClinVar (database versions not stated): gnomAD exomes 0.00002 and 0.00005; TOPMed 0.00003; gnomAD 0.00004 and 0.00005; ExAC 0.00013.
gnomAD v4.1: 40 of 1,550,332 alleles (0.0026%); highest among the groups gnomAD compares: Middle Eastern, 0.017%; no homozygotes.

Submissions (2):

GeneDx
Classification: Uncertain significance. Last evaluated: 2024-10-23. Review status: criteria provided, single submitter. Criteria: GeneDx Variant Classification Process June 2021. Collection method: clinical testing. Allele origin: germline. Affected: yes.
Comment: In silico analysis indicates that this missense variant does not alter protein structure/function; Has not been previously published as pathogenic or benign to our knowledge

CeGaT Center for Human Genetics Tuebingen
Classification: Uncertain significance. Last evaluated: 2020-01-01. Review status: criteria provided, single submitter. Criteria: CeGaT Center For Human Genetics Tuebingen Variant Classification Criteria Version 2. Collection method: clinical testing. Allele origin: germline. Affected: yes. Observed: 1 variant allele.

NM_001292063.2(OTOG):c.7723G>A (p.Glu2575Lys)

Gene: OTOG (otogelin; plus strand). Cytogenetic location: 11p15.1.
Variant type: single nucleotide variant.
Coding change: c.7723G>A on transcript NM_001292063.2 (MANE Select); coding-DNA position 7723, G replaced by A.
Protein change: p.Glu2575Lys; replaces glutamic acid 2575 with lysine.
Molecular consequence: missense variant.
Genome position (GRCh38, 1-based): chr11:17,635,639, G>A. VCF-style: chr11-17635639-G-A. GRCh37 (hg19) VCF-style: chr11-17657186-G-A.
Other names: c.7759G>A, p.Glu2587Lys (NM_001277269.2); c.7759G>A (NM_001277269.1); short protein forms E2587K, E2575K.
Identifiers: ClinVar variation 870669 (VCV000870669.42), dbSNP rs747421330, ClinGen allele CA5906171.